The following is an entry in ClinVar:

NM_015375.3(DSTYK):c.1677C>G (p.Ala559=)

Gene: DSTYK (dual serine/threonine and tyrosine protein kinase; minus strand). Cytogenetic location: 1q32.1.
Variant type: single nucleotide variant.
Coding change: c.1677C>G on transcript NM_015375.3 (MANE Select); coding-DNA position 1677, C replaced by G.
Protein change: p.Ala559=; no amino-acid change (alanine 559 retained).
Molecular consequence: synonymous variant.
Genome position (GRCh38, 1-based): chr1:205,162,177, G>C on the plus strand (C>G on the coding strand, the complement: DSTYK is on the minus strand). VCF-style: chr1-205162177-G-C. GRCh37 (hg19) VCF-style: chr1-205131305-G-C.
Other names: c.1677C>G, p.Ala559= (NM_199462.3).
Identifiers: ClinVar variation 3049341 (VCV003049341.3), dbSNP rs34830650, ClinGen allele CA1352783.

ClinVar aggregate classification (germline): Likely benign. Review status: criteria provided, single submitter (1 of 4 stars). 2 submissions from 2 submitters: Likely benign (1). 1 of the submissions does not count toward it. Last evaluated 2024-11-14.

Conditions:
DSTYK-related disorder. Also called: DSTYK-related condition.

gnomAD v4.1: 4 of 1,614,162 alleles (0.00025%); highest among the groups gnomAD compares: Admixed American, 0.0017%; 1 homozygote.

Submissions (2):

Blueprint Genetics
Classification: Likely benign. Last evaluated: 2024-11-14. Review status: criteria provided, single submitter. Criteria: ACMG Guidelines, 2015. Collection method: clinical testing. Allele origin: germline.

PreventionGenetics, part of Exact Sciences
Classification: Likely benign for DSTYK-related condition. Last evaluated: 2019-07-10. Review status: no assertion criteria provided. Collection method: clinical testing. Allele origin: germline. Not counted in ClinVar's aggregate classification.
Comment: This variant is classified as likely benign based on ACMG/AMP sequence variant interpretation guidelines (Richards et al. 2015 PMID: 25741868, with internal and published modifications).